The following is an entry in ClinVar:

NM_001098629.3(IRF5):c.447G>A (p.Glu149=)

Gene: IRF5 (interferon regulatory factor 5; plus strand). Cytogenetic location: 7q32.1.
Variant type: single nucleotide variant.
Coding change: c.447G>A on transcript NM_001098629.3 (MANE Select); coding-DNA position 447, G replaced by A.
Protein change: p.Glu149=; no amino-acid change (glutamic acid 149 retained).
Molecular consequence: synonymous variant.
Genome position (GRCh38, 1-based): chr7:128,946,562, G>A. VCF-style: chr7-128946562-G-A. GRCh37 (hg19) VCF-style: chr7-128586616-G-A.
Other names: NC_000007.13:g.128586616G>A; c.447G>A, p.Glu149= (NM_001098627.4, NM_001098630.3, NM_001242452.3 and 3 more transcripts).
Identifiers: ClinVar variation 709580 (VCV000709580.10), dbSNP rs201418545, ClinGen allele CA4477491.

ClinVar aggregate classification (germline): Benign/Likely benign. Review status: criteria provided, multiple submitters, no conflicts (2 of 4 stars). 3 submissions from 3 submitters: Benign (2); Likely benign (1). Last evaluated 2026-05-01.

Allele frequency attached by ClinVar (database versions not stated): ESP Exome Variant Server 0.00015; gnomAD 0.00063 and 0.00068; 1000 Genomes Project 30x 0.00078; 1000 Genomes Project 0.00100; TOPMed 0.00146; gnomAD exomes 0.00169; ExAC 0.00175.
gnomAD v4.1: 620 of 1,591,564 alleles (0.039%); highest among the groups gnomAD compares: Admixed American, 1%; 4 homozygotes.

Submissions (6):

CeGaT Center for Human Genetics Tuebingen
Classification: Likely benign. Last evaluated: 2026-05-01. Review status: criteria provided, single submitter. Criteria: CeGaT Center For Human Genetics Tuebingen Variant Classification Criteria Version 2. Collection method: clinical testing. Allele origin: germline. Affected: yes. Observed: 2 variant alleles.
Comment: IRF5: BP4, BP7

Labcorp Genetics (formerly Invitae), Labcorp
Classification: Benign. Last evaluated: 2019-12-31. Review status: criteria provided, single submitter. Criteria: Invitae Variant Classification Sherloc (09022015). Collection method: clinical testing. Allele origin: germline.

Breakthrough Genomics
Classification: Benign. Review status: criteria provided, single submitter. Criteria: ACMG Guidelines, 2015. Collection method: not provided. Allele origin: germline. Inheritance: Unknown mechanism. Affected: yes.

Dr. Peter K. Rogan Lab, Western University
No classification provided (evidence only). Condition: Thyroid cancer, nonmedullary, 1. Review status: no classification provided. Collection method: in vitro. Allele origin: not applicable. Functional consequence: retained intron. Not counted in ClinVar's aggregate classification.

Dr. Peter K. Rogan Lab, Western University
No classification provided (evidence only). Condition: Malignant lymphoma, large B-cell, diffuse. Review status: no classification provided. Collection method: in vitro. Allele origin: not applicable. Functional consequence: retained intron. Not counted in ClinVar's aggregate classification.

Dr. Peter K. Rogan Lab, Western University
No classification provided (evidence only). Condition: Hepatocellular carcinoma. Review status: no classification provided. Collection method: in vitro. Allele origin: not applicable. Functional consequence: retained intron. Not counted in ClinVar's aggregate classification.